The following is an entry in ClinVar:

NM_001267550.2(TTN):c.95723-142T>C

Genes: TTN (titin; minus strand), TTN-AS1 (TTN antisense RNA 1; plus strand). Cytogenetic location: 2q31.2.
Variant type: single nucleotide variant.
Coding change: c.95723-142T>C on transcript NM_001267550.2 (MANE Select); 142 bases into the intron before coding-DNA position 95723, T replaced by C.
Molecular consequence: intron variant.
Genome position (GRCh38, 1-based): chr2:178,544,648, A>G on the plus strand (T>C on the coding strand, the complement: TTN is on the minus strand). VCF-style: chr2-178544648-A-G. GRCh37 (hg19) VCF-style: chr2-179409375-A-G.
Other names: c.68528-142T>C (NM_003319.4); c.69104-142T>C (NM_133437.4); c.68903-142T>C (NM_133432.3); c.88019-142T>C (NM_133378.4); c.90800-142T>C (NM_001256850.1).
Identifiers: ClinVar variation 675434 (VCV000675434.2), dbSNP rs73973126, ClinGen allele CA60970780.

ClinVar aggregate classification (germline): Benign. Review status: criteria provided, multiple submitters, no conflicts (2 of 4 stars). 2 submissions from 2 submitters: Benign (2). Last evaluated 2018-06-14.

Allele frequency attached by ClinVar (database versions not stated): 1000 Genomes Project 0.01637; 1000 Genomes Project 30x 0.01655; gnomAD 0.01835 and 0.01993; TOPMed 0.02130.
gnomAD v4.1: 3,927 of 643,378 alleles (0.61%); highest among the groups gnomAD compares: African/African-American, 6.4%; 127 homozygotes.

Submissions (2):

GeneDx
Classification: Benign. Last evaluated: 2018-06-14. Review status: criteria provided, single submitter. Criteria: GeneDx Variant Classification (06012015). Collection method: clinical testing. Allele origin: germline. Affected: yes.
Comment: This variant is considered likely benign or benign based on one or more of the following criteria: it is a conservative change, it occurs at a poorly conserved position in the protein, it is predicted to be benign by multiple in silico algorithms, and/or has population frequency not consistent with disease.

Breakthrough Genomics
Classification: Benign. Review status: criteria provided, single submitter. Criteria: ACMG Guidelines, 2015. Collection method: not provided. Allele origin: germline. Inheritance: Autosomal recessive inheritance. Affected: yes.